The following is an entry in ClinVar:

NM_006922.4(SCN3A):c.1952A>G (p.Asn651Ser)

Gene: SCN3A (sodium voltage-gated channel alpha subunit 3; minus strand). Cytogenetic location: 2q24.3.
Variant type: single nucleotide variant.
Coding change: c.1952A>G on transcript NM_006922.4 (MANE Select); coding-DNA position 1952, A replaced by G.
Protein change: p.Asn651Ser; replaces asparagine 651 with serine.
Molecular consequence: missense variant. On other transcripts: intron variant (2).
Genome position (GRCh38, 1-based): chr2:165,140,718, T>C on the plus strand (A>G on the coding strand, the complement: SCN3A is on the minus strand). VCF-style: chr2-165140718-T-C. GRCh37 (hg19) VCF-style: chr2-165997228-T-C.
Other names: c.1872+80A>G (NM_001081676.2, NM_001081677.2); short protein forms N651S.
Identifiers: ClinVar variation 852197 (VCV000852197.9), dbSNP rs1687957974, ClinGen allele CA349046220.

ClinVar aggregate classification (germline): Uncertain significance (1 of 4 stars; one submission).

Submission:

Labcorp Genetics (formerly Invitae), Labcorp
Classification: Uncertain significance. Last evaluated: 2020-08-20. Review status: criteria provided, single submitter. Criteria: Invitae Variant Classification Sherloc (09022015). Collection method: clinical testing. Allele origin: germline.
Comment: In summary, the available evidence is currently insufficient to determine the role of this variant in disease. Therefore, it has been classified as a Variant of Uncertain Significance. Algorithms developed to predict the effect of sequence changes on RNA splicing suggest that this variant may create or strengthen a splice site, but this prediction has not been confirmed by published transcriptional studies. Algorithms developed to predict the effect of missense changes on protein structure and function are either unavailable or do not agree on the potential impact of this missense change (SIFT: "Deleterious"; PolyPhen-2: "Probably Damaging"; Align-GVGD: "Class C0"). This variant has not been reported in the literature in individuals with SCN3A-related conditions. This variant is not present in population databases (ExAC no frequency). This sequence change replaces asparagine with serine at codon 651 of the SCN3A protein (p.Asn651Ser). The asparagine residue is highly conserved and there is a small physicochemical difference between asparagine and serine.